The following is an entry in ClinVar:

ClinVar aggregate classification (germline): Uncertain significance (1 of 4 stars; one submission).

Conditions:
Short-rib thoracic dysplasia 13 with or without polydactyly (SRTD13). Identifiers: Orphanet 474, MedGen C4225378, MONDO:0014577, OMIM 616300.

gnomAD v4.1: 1 of 1,606,540 alleles (0.000062%); highest among the groups gnomAD compares: Non-Finnish European, 0.000085%; no homozygotes.

Submission:

Labcorp Genetics (formerly Invitae), Labcorp
Classification: Uncertain significance for Short-rib thoracic dysplasia 13 with or without polydactyly. Last evaluated: 2022-08-16. Review status: criteria provided, single submitter. Criteria: Invitae Variant Classification Sherloc (09022015). Collection method: clinical testing. Allele origin: germline.
Comment: This sequence change replaces arginine, which is basic and polar, with glycine, which is neutral and non-polar, at codon 850 of the CEP120 protein (p.Arg850Gly). This variant is present in population databases (rs772596480, gnomAD 0.0009%). This variant has not been reported in the literature in individuals affected with CEP120-related conditions. ClinVar contains an entry for this variant (Variation ID: 1395049). Algorithms developed to predict the effect of missense changes on protein structure and function (SIFT, PolyPhen-2, Align-GVGD) all suggest that this variant is likely to be disruptive. In summary, the available evidence is currently insufficient to determine the role of this variant in disease. Therefore, it has been classified as a Variant of Uncertain Significance.

NM_001375405.1(CEP120):c.2548C>G (p.Arg850Gly)

Gene: CEP120 (centrosomal protein 120; minus strand). Cytogenetic location: 5q23.2.
Variant type: single nucleotide variant.
Coding change: c.2548C>G on transcript NM_001375405.1 (MANE Select); coding-DNA position 2548, C replaced by G.
Protein change: p.Arg850Gly; replaces arginine 850 with glycine.
Molecular consequence: missense variant. On other transcripts: non-coding transcript variant (1).
Genome position (GRCh38, 1-based): chr5:123,364,528, G>C on the plus strand (C>G on the coding strand, the complement: CEP120 is on the minus strand). VCF-style: chr5-123364528-G-C. GRCh37 (hg19) VCF-style: chr5-122700222-G-C.
Other names: c.2470C>G, p.Arg824Gly (NM_001166226.2); c.2413C>G, p.Arg805Gly (NM_001375406.1); c.2548C>G, p.Arg850Gly (NM_001375407.1, NM_153223.4); c.1975C>G, p.Arg659Gly (NM_001375408.1, NM_001375409.1); short protein forms R824G, R659G, R805G, R850G.
Identifiers: ClinVar variation 1395049 (VCV001395049.6), dbSNP rs772596480, ClinGen allele CA3386594.